The following is an entry in ClinVar:

ClinVar aggregate classification (germline): Uncertain significance. Review status: criteria provided, multiple submitters, no conflicts (2 of 4 stars). 2 submissions from 2 submitters: Uncertain significance (2). Last evaluated 2025-11-23.

Conditions:
Tuberous sclerosis 2 (TSC2). Identifiers: Orphanet 805, MedGen C1860707, MONDO:0013199, OMIM 613254.
Hereditary cancer-predisposing syndrome. Also called: Neoplastic Syndromes, Hereditary; Tumor predisposition; Hereditary Cancer Syndrome; Hereditary neoplastic syndrome. Identifiers: Orphanet 140162, MedGen C0027672, MeSH D009386, MONDO:0015356.

Allele frequency attached by ClinVar (database versions not stated): TOPMed below 0.00001.

Submissions (2):

Ambry Genetics
Classification: Uncertain significance for Hereditary cancer-predisposing syndrome. Last evaluated: 2025-11-23. Review status: criteria provided, single submitter. Criteria: Ambry Variant Classification Scheme 2023. Collection method: clinical testing. Allele origin: germline.
Comment: The p.E1302K variant (also known as c.3904G>A), located in coding exon 32 of the TSC2 gene, results from a G to A substitution at nucleotide position 3904. The glutamic acid at codon 1302 is replaced by lysine, an amino acid with similar properties. This amino acid position is conserved. In addition, this alteration is predicted to be deleterious by in silico analysis. Since supporting evidence is limited at this time, the clinical significance of this alteration remains unclear.

Labcorp Genetics (formerly Invitae), Labcorp
Classification: Uncertain significance for Tuberous sclerosis 2. Last evaluated: 2022-06-20. Review status: criteria provided, single submitter. Criteria: Invitae Variant Classification Sherloc (09022015). Collection method: clinical testing. Allele origin: germline.
Comment: In summary, the available evidence is currently insufficient to determine the role of this variant in disease. Therefore, it has been classified as a Variant of Uncertain Significance. Advanced modeling of protein sequence and biophysical properties (such as structural, functional, and spatial information, amino acid conservation, physicochemical variation, residue mobility, and thermodynamic stability) performed at Invitae indicates that this missense variant is not expected to disrupt TSC2 protein function. This variant has not been reported in the literature in individuals affected with TSC2-related conditions. This variant is not present in population databases (gnomAD no frequency). This sequence change replaces glutamic acid, which is acidic and polar, with lysine, which is basic and polar, at codon 1302 of the TSC2 protein (p.Glu1302Lys).

NM_000548.5(TSC2):c.3904G>A (p.Glu1302Lys)

Gene: TSC2 (TSC complex subunit 2; plus strand). Cytogenetic location: 16p13.3.
Variant type: single nucleotide variant.
Coding change: c.3904G>A on transcript NM_000548.5 (MANE Select); coding-DNA position 3904, G replaced by A.
Protein change: p.Glu1302Lys; replaces glutamic acid 1302 with lysine.
Molecular consequence: missense variant.
Genome position (GRCh38, 1-based): chr16:2,083,715, G>A. VCF-style: chr16-2083715-G-A. GRCh37 (hg19) VCF-style: chr16-2133716-G-A.
Other names: c.3703G>A, p.Glu1235Lys (NM_001077183.3); c.3835G>A, p.Glu1279Lys (NM_001114382.3); c.3595G>A, p.Glu1199Lys (NM_001318827.2); c.3559G>A, p.Glu1187Lys (NM_001318829.2); c.3172G>A, p.Glu1058Lys (NM_001318831.2); c.3736G>A, p.Glu1246Lys (NM_001318832.2); c.3706G>A, p.Glu1236Lys (NM_001363528.2); c.3772G>A, p.Glu1258Lys (NM_001370404.1); and 26 more; short protein forms E1102K, E1216K, E1242K, E1265K, E1278K, E1302K, E788K, E1079K.
Identifiers: ClinVar variation 1736050 (VCV001736050.8), dbSNP rs886039680, ClinGen allele CA394296872.